The following is an entry in ClinVar:

ClinVar aggregate classification (germline): Uncertain significance (1 of 4 stars; one submission).

Conditions:
BAP1-related tumor predisposition syndrome (TPDS1). Also called: COMMON Syndrome; BAP1 tumor predisposition syndrome; Tumor susceptibility linked to germline BAP1 mutations; TUMOR PREDISPOSITION SYNDROME 1. Identifiers: Orphanet 289539, MedGen C3280492, MONDO:0013692, OMIM 614327.

Submission:

Labcorp Genetics (formerly Invitae), Labcorp
Classification: Uncertain significance for BAP1-related tumor predisposition syndrome. Last evaluated: 2025-11-25. Review status: criteria provided, single submitter. Criteria: Invitae Variant Classification Sherloc (09022015). Collection method: clinical testing. Allele origin: germline.
Comment: This sequence change replaces serine, which is neutral and polar, with proline, which is neutral and non-polar, at codon 292 of the BAP1 protein (p.Ser292Pro). This variant is not present in population databases (gnomAD no frequency). This variant has not been reported in the literature in individuals affected with BAP1-related conditions. Invitae Evidence Modeling of protein sequence and biophysical properties (such as structural, functional, and spatial information, amino acid conservation, physicochemical variation, residue mobility, and thermodynamic stability) indicates that this missense variant is not expected to disrupt BAP1 protein function with a negative predictive value of 80%. In summary, the available evidence is currently insufficient to determine the role of this variant in disease. Therefore, it has been classified as a Variant of Uncertain Significance.

NM_004656.4(BAP1):c.874T>C (p.Ser292Pro)

Gene: BAP1 (BRCA1 associated deubiquitinase 1; minus strand). Cytogenetic location: 3p21.1.
Variant type: single nucleotide variant.
Coding change: c.874T>C on transcript NM_004656.4 (MANE Select); coding-DNA position 874, T replaced by C.
Protein change: p.Ser292Pro; replaces serine 292 with proline.
Molecular consequence: missense variant.
Genome position (GRCh38, 1-based): chr3:52,405,822, A>G on the plus strand (T>C on the coding strand, the complement: BAP1 is on the minus strand). VCF-style: chr3-52405822-A-G. GRCh37 (hg19) VCF-style: chr3-52439838-A-G.
Other names: c.820T>C, p.Ser274Pro (NM_001410772.1); short protein forms S274P, S292P.
Identifiers: ClinVar variation 4811506 (VCV004811506.1).